The following is an entry in ClinVar:

ClinVar aggregate classification (germline): Uncertain significance (1 of 4 stars; one submission).

Submission:

Labcorp Genetics (formerly Invitae), Labcorp
Classification: Uncertain significance. Last evaluated: 2021-09-22. Review status: criteria provided, single submitter. Criteria: Invitae Variant Classification Sherloc (09022015). Collection method: clinical testing. Allele origin: germline.
Comment: In summary, the available evidence is currently insufficient to determine the role of this variant in disease. Therefore, it has been classified as a Variant of Uncertain Significance. Algorithms developed to predict the effect of sequence changes on RNA splicing suggest that this variant may disrupt the consensus splice site. This variant has not been reported in the literature in individuals affected with LRRC56-related conditions. This variant is not present in population databases (ExAC no frequency). This sequence change falls in intron 10 of the LRRC56 gene. It does not directly change the encoded amino acid sequence of the LRRC56 protein.

NM_198075.4(LRRC56):c.974-5T>G

Gene: LRRC56 (leucine rich repeat containing 56; plus strand). Cytogenetic location: 11p15.5.
Variant type: single nucleotide variant.
Coding change: c.974-5T>G on transcript NM_198075.4 (MANE Select); 5 bases into the intron before coding-DNA position 974, T replaced by G.
Molecular consequence: intron variant.
Genome position (GRCh38, 1-based): chr11:551,898, T>G. VCF-style: chr11-551898-T-G. GRCh37 (hg19) VCF-style: chr11-551898-T-G.
Identifiers: ClinVar variation 1461732 (VCV001461732.6), dbSNP rs2134068302, ClinGen allele CA2573147076.
Genomic context (GRCh38, chr11:551,898, plus strand): 5'-TGCCTCAAAGCTGACCCTGCAGCCCCTCGGCCCCGAACCAGGCCCAGCCATGCTGTCTCT[T>G]GCAGGTGCTGGCCAAGTCCTCTGTGGGAACCCCACCAAGGGCCTGCGGGAGCGTAGGCAC-3'